The following is an entry in ClinVar:

NM_030928.4(CDT1):c.412C>T (p.Arg138Trp)

Gene: CDT1 (chromatin licensing and DNA replication factor 1; plus strand). Cytogenetic location: 16q24.3.
Variant type: single nucleotide variant.
Coding change: c.412C>T on transcript NM_030928.4 (MANE Select); coding-DNA position 412, C replaced by T.
Protein change: p.Arg138Trp; replaces arginine 138 with tryptophan.
Molecular consequence: missense variant.
Genome position (GRCh38, 1-based): chr16:88,804,822, C>T. VCF-style: chr16-88804822-C-T. GRCh37 (hg19) VCF-style: chr16-88871230-C-T.
Other names: short protein forms R138W.
Identifiers: ClinVar variation 1044530 (VCV001044530.4), dbSNP rs149361322, ClinGen allele CA8233631.

ClinVar aggregate classification (germline): Uncertain significance. Review status: criteria provided, multiple submitters, no conflicts (2 of 4 stars). 2 submissions from 2 submitters: Uncertain significance (2). Last evaluated 2023-12-11.

Allele frequency attached by ClinVar (database versions not stated): gnomAD 0.00015 and 0.00016; TOPMed 0.00025; ESP Exome Variant Server 0.00046.
gnomAD v4.1: 425 of 1,612,344 alleles (0.026%); highest among the groups gnomAD compares: Middle Eastern, 0.099%; 1 homozygote.

Submissions (2):

Labcorp Genetics (formerly Invitae), Labcorp
Classification: Uncertain significance. Last evaluated: 2023-12-11. Review status: criteria provided, single submitter. Criteria: Invitae Variant Classification Sherloc (09022015). Collection method: clinical testing. Allele origin: germline.
Comment: This sequence change replaces arginine, which is basic and polar, with tryptophan, which is neutral and slightly polar, at codon 138 of the CDT1 protein (p.Arg138Trp). This variant is present in population databases (rs149361322, gnomAD 0.04%). This variant has not been reported in the literature in individuals affected with CDT1-related conditions. ClinVar contains an entry for this variant (Variation ID: 1044530). An algorithm developed to predict the effect of missense changes on protein structure and function (PolyPhen-2) suggests that this variant¬†is likely to be tolerated. In summary, the available evidence is currently insufficient to determine the role of this variant in disease. Therefore, it has been classified as a Variant of Uncertain Significance.

Breakthrough Genomics
Classification: Uncertain significance. Review status: criteria provided, single submitter. Criteria: ACMG Guidelines, 2015. Collection method: not provided. Allele origin: germline. Inheritance: Autosomal recessive inheritance. Affected: yes.